The following is an entry in ClinVar:

Conditions:
Breast-ovarian cancer, familial, susceptibility to, 1 (BROVCA1). Also called: BRCA1 Hereditary Breast and Ovarian Cancer; OVARIAN CANCER, SUSCEPTIBILITY TO. Identifiers: Orphanet 145, MedGen C2676676, MONDO:0011450, OMIM 604370. Disease mechanism: loss of function.

Submission:

Brotman Baty Institute, University of Washington
No classification provided (evidence only). Condition: Breast-ovarian cancer, familial 1. Review status: no classification provided. Collection method: in vitro. Allele origin: not applicable. Functional consequence: functionally_normal.
ClinVar note: "not provided" was previously submitted as the classification for the variant. However, the classification appeared to be based only on an observation of functional data so it was converted to no classification on 2025-07-30.

NM_007294.4(BRCA1):c.5023A>C (p.Thr1675Pro)

Gene: BRCA1 (BRCA1 DNA repair associated; minus strand). Cytogenetic location: 17q21.31.
Variant type: single nucleotide variant.
Coding change: c.5023A>C on transcript NM_007294.4 (MANE Select); coding-DNA position 5023, A replaced by C.
Protein change: p.Thr1675Pro; replaces threonine 1675 with proline.
Molecular consequence: missense variant. On other transcripts: non-coding transcript variant (1).
Genome position (GRCh38, 1-based): chr17:43,067,659, T>G on the plus strand (A>C on the coding strand, the complement: BRCA1 is on the minus strand). VCF-style: chr17-43067659-T-G. GRCh37 (hg19) VCF-style: chr17-41219676-T-G.
Other names: c.4810A>C, p.Thr1604Pro (NM_001407571.1, NM_001407896.1, NM_001407897.1 and 12 more transcripts); c.5089A>C, p.Thr1697Pro (NM_001407581.1, NM_001407582.1); c.5086A>C, p.Thr1696Pro (NM_001407583.1, NM_001407585.1, NM_001407587.1 and 1 more transcripts); c.5083A>C, p.Thr1695Pro (NM_001407590.1, NM_001407591.1); c.5023A>C, p.Thr1675Pro (NM_001407593.1, NM_001407594.1, NM_001407596.1 and 8 more transcripts); c.5020A>C, p.Thr1674Pro (NM_001407610.1, NM_001407611.1, NM_001407612.1 and 17 more transcripts); c.5017A>C, p.Thr1673Pro (NM_001407627.1, NM_001407628.1, NM_001407629.1 and 14 more transcripts); c.5014A>C, p.Thr1672Pro (NM_001407645.1, NM_001407644.1); and 70 more; short protein forms T1675P, T1696P, T571P, T1628P, T1564P, T1606P, T1627P, T1647P.
Identifiers: ClinVar variation 867546 (VCV000867546.3), dbSNP rs774452090, ClinGen allele CA10591469.